The following is an entry in ClinVar:

NM_000059.4(BRCA2):c.3794G>T (p.Cys1265Phe)

Gene: BRCA2 (BRCA2 DNA repair associated; plus strand). Cytogenetic location: 13q13.1.
Variant type: single nucleotide variant.
Coding change: c.3794G>T on transcript NM_000059.4 (MANE Select); coding-DNA position 3794, G replaced by T.
Protein change: p.Cys1265Phe; replaces cysteine 1265 with phenylalanine.
Molecular consequence: missense variant.
Genome position (GRCh38, 1-based): chr13:32,338,149, G>T. VCF-style: chr13-32338149-G-T. GRCh37 (hg19) VCF-style: chr13-32912286-G-T.
Other names: p.Cys1265Phe; 4022G>T; short protein forms C1265F.
Identifiers: ClinVar variation 37857 (VCV000037857.18), dbSNP rs397507315, ClinGen allele CA018818.

ClinVar aggregate classification (germline): Conflicting classifications of pathogenicity. Review status: criteria provided, conflicting classifications (1 of 4 stars). 8 submissions from 8 submitters: Uncertain significance (3); Likely benign (3). 2 of the submissions do not count toward it. Last evaluated 2025-09-05.

Conditions:
Hereditary cancer-predisposing syndrome. Also called: Tumor predisposition; Neoplastic Syndromes, Hereditary; Hereditary neoplastic syndrome; Hereditary Cancer Syndrome. Identifiers: Orphanet 140162, MedGen C0027672, MeSH D009386, MONDO:0015356.
Hereditary breast ovarian cancer syndrome. Also called: Hereditary breast and ovarian cancer; Hereditary breast and ovarian cancer syndrome (HBOC); Hereditary breast and/or ovarian cancer syndrome; Breast and ovarian cancer; Hereditary breast and ovarian cancer syndrome; BRCA1- and BRCA2-Associated Hereditary Breast and Ovarian Cancer. Identifiers: Orphanet 145, MedGen C0677776, MeSH D061325, MONDO:0003582. Disease mechanism: loss of function.
Breast-ovarian cancer, familial, susceptibility to, 2 (BROVCA2). Also called: BRCA2 Hereditary Breast and Ovarian Cancer. Identifiers: Orphanet 145, MedGen C2675520, MONDO:0012933, OMIM 612555. Disease mechanism: loss of function.

Allele frequency attached by ClinVar (database versions not stated): gnomAD exomes below 0.00001; gnomAD 0.00001.
gnomAD v4.1: 2 of 1,599,690 alleles (0.00013%); highest among the groups gnomAD compares: East Asian, 0.0045%; no homozygotes.

Submissions (8):

Color Diagnostics, LLC DBA Color Health
Classification: Uncertain significance for Hereditary cancer-predisposing syndrome. Last evaluated: 2025-09-05. Review status: criteria provided, single submitter. Criteria: ACMG Guidelines, 2015. Collection method: clinical testing. Allele origin: germline.
Comment: This missense variant replaces cysteine with phenylalanine at codon 1265 of the BRCA2 protein. Computational prediction suggests that this variant may not impact protein structure and function. To our knowledge, functional studies have not been reported for this variant. This variant has been reported in an individual suspected of increased risk for breast and/or ovarian cancer (PMID: 18779604). A multifactorial analysis has reached a combined likelihood ratio (LR) of 1.632 based on reported LR for co-occurrence with a pathogenic variant and personal and family history for 1 carrier (PMID: 31853058). This variant has been identified in 1/31384 chromosomes in the general population by the Genome Aggregation Database (gnomAD). The available evidence is insufficient to determine the role of this variant in disease conclusively. Therefore, this variant is classified as a Variant of Uncertain Significance.

Labcorp Genetics (formerly Invitae), Labcorp
Classification: Uncertain significance for Hereditary breast ovarian cancer syndrome. Last evaluated: 2025-07-27. Review status: criteria provided, single submitter. Criteria: Invitae Variant Classification Sherloc (09022015). Collection method: clinical testing. Allele origin: germline.
Comment: This sequence change replaces cysteine, which is neutral and slightly polar, with phenylalanine, which is neutral and non-polar, at codon 1265 of the BRCA2 protein (p.Cys1265Phe). This variant is present in population databases (rs397507315, gnomAD 0.06%). This missense change has been observed in individual(s) with increased risk of hereditary breast and ovarian cancer syndrome (PMID: 18779604). ClinVar contains an entry for this variant (Variation ID: 37857). Invitae Evidence Modeling of protein sequence and biophysical properties (such as structural, functional, and spatial information, amino acid conservation, physicochemical variation, residue mobility, and thermodynamic stability) indicates that this missense variant is not expected to disrupt BRCA2 protein function with a negative predictive value of 95%. In summary, the available evidence is currently insufficient to determine the role of this variant in disease. Therefore, it has been classified as a Variant of Uncertain Significance.

Mayo Clinic Laboratories, Mayo Clinic
Classification: Likely benign. Last evaluated: 2025-03-11. Review status: criteria provided, single submitter. Criteria: ACMG Guidelines, 2015. Collection method: clinical testing. Allele origin: germline. Observed: 1 variant allele.
Comment: BP1_strong

University of Washington Department of Laboratory Medicine, University of Washington
Classification: Likely benign for Hereditary cancer-predisposing syndrome. Last evaluated: 2023-03-23. Review status: criteria provided, single submitter. Criteria: Dines et al. (Genet Med. 2020). Collection method: curation. Allele origin: germline.
Comment: Missense variant in a coldspot region where missense variants are very unlikely to be pathogenic (PMID:31911673).

BRCA2 exon 11 coldspot. Reclassification based on statistical prior probability.

Quest Diagnostics Nichols Institute San Juan Capistrano
Classification: Uncertain significance. Last evaluated: 2021-01-16. Review status: criteria provided, single submitter. Criteria: Quest Diagnostics criteria. Collection method: clinical testing. Allele origin: unknown.

Ambry Genetics
Classification: Likely benign for Hereditary cancer-predisposing syndrome. Last evaluated: 2017-08-01. Review status: criteria provided, single submitter. Criteria: Ambry Variant Classification Scheme 2023. Collection method: clinical testing. Allele origin: germline.

Counsyl
Classification: Uncertain significance for Breast-ovarian cancer, familial, susceptibility to, 2. Last evaluated: 2016-02-19. Review status: no assertion criteria provided. Collection method: clinical testing. Allele origin: unknown. Not counted in ClinVar's aggregate classification.

Sharing Clinical Reports Project (SCRP)
Classification: Uncertain significance for Breast-ovarian cancer, familial 2. Last evaluated: 2009-02-03. Review status: no assertion criteria provided. Collection method: clinical testing. Allele origin: germline. Not counted in ClinVar's aggregate classification.

Literature cited by the submitters: PubMed 18779604 (cited by 4 submitters); PubMed 31853058 (cited by Color Diagnostics, LLC DBA Color Health); PubMed 32211327 (cited by Mayo Clinic Laboratories, Mayo Clinic).